The following is an entry in ClinVar:

ClinVar aggregate classification (germline): Uncertain significance. Review status: criteria provided, multiple submitters, no conflicts (2 of 4 stars). 3 submissions from 3 submitters: Uncertain significance (3). Last evaluated 2025-07-23.

Conditions:
SYNJ1-related disorder. Also called: SYNJ1-related condition.
Developmental and epileptic encephalopathy, 53. Also called: Epileptic encephalopathy, early infantile, 53. Identifiers: MedGen C4479313, MONDO:0033362, OMIM 617389.
Early-onset Parkinson disease 20. Also called: PARKINSON DISEASE 20, AUTOSOMAL RECESSIVE EARLY-ONSET. Identifiers: Orphanet 391411, MedGen C3809824, MONDO:0014233, OMIM 615530.
Inborn genetic diseases. Identifiers: MedGen C0950123, MeSH D030342.

Allele frequency attached by ClinVar (database versions not stated): ExAC 0.00003; gnomAD exomes 0.00004; TOPMed 0.00009; gnomAD 0.00011 and 0.00014; ESP Exome Variant Server 0.00015.
gnomAD v4.1: 244 of 1,614,008 alleles (0.015%); highest among the groups gnomAD compares: Non-Finnish European, 0.02%; no homozygotes.

Submissions (3):

PreventionGenetics, part of Exact Sciences
Classification: Uncertain significance for SYNJ1-related condition. Last evaluated: 2025-07-23. Review status: criteria provided, single submitter. Criteria: ACMG Guidelines, 2015. Collection method: clinical testing. Allele origin: germline.
Comment: The SYNJ1 c.3256C>G variant is predicted to result in the amino acid substitution p.Arg1086Gly. To our knowledge, this variant has not been reported in the literature. This variant is reported in 0.012% of alleles in individuals of European (Non-Finnish) descent in gnomAD. At this time, the clinical significance of this variant is uncertain due to the absence of conclusive functional and genetic evidence.

Labcorp Genetics (formerly Invitae), Labcorp
Classification: Uncertain significance for Developmental and epileptic encephalopathy, 53; Early-onset Parkinson disease 20. Last evaluated: 2022-07-30. Review status: criteria provided, single submitter. Criteria: Invitae Variant Classification Sherloc (09022015). Collection method: clinical testing. Allele origin: germline.
Comment: This sequence change replaces arginine, which is basic and polar, with glycine, which is neutral and non-polar, at codon 1086 of the SYNJ1 protein (p.Arg1086Gly). This variant is present in population databases (rs147931121, gnomAD 0.01%). This variant has not been reported in the literature in individuals affected with SYNJ1-related conditions. ClinVar contains an entry for this variant (Variation ID: 576516). Algorithms developed to predict the effect of missense changes on protein structure and function are either unavailable or do not agree on the potential impact of this missense change (SIFT: "Deleterious"; PolyPhen-2: "Benign"; Align-GVGD: "Class C0"). In summary, the available evidence is currently insufficient to determine the role of this variant in disease. Therefore, it has been classified as a Variant of Uncertain Significance.

Ambry Genetics
Classification: Uncertain significance for Inborn genetic diseases. Last evaluated: 2021-12-09. Review status: criteria provided, single submitter. Criteria: Ambry Variant Classification Scheme 2023. Collection method: clinical testing. Allele origin: germline.

NM_203446.3(SYNJ1):c.3139C>G (p.Arg1047Gly)

Gene: SYNJ1 (synaptojanin 1; minus strand). Cytogenetic location: 21q22.11.
Variant type: single nucleotide variant.
Coding change: c.3139C>G on transcript NM_203446.3 (MANE Select); coding-DNA position 3139, C replaced by G.
Protein change: p.Arg1047Gly; replaces arginine 1047 with glycine.
Molecular consequence: missense variant.
Genome position (GRCh38, 1-based): chr21:32,646,501, G>C on the plus strand (C>G on the coding strand, the complement: SYNJ1 is on the minus strand). VCF-style: chr21-32646501-G-C. GRCh37 (hg19) VCF-style: chr21-34018811-G-C.
Other names: c.3139C>G, p.Arg1047Gly (NM_001160302.2); c.3124C>G, p.Arg1042Gly (NM_001160306.2); c.3256C>G, p.Arg1086Gly (NM_003895.4); short protein forms R1086G, R1042G, R1047G.
Identifiers: ClinVar variation 576516 (VCV000576516.8), dbSNP rs147931121, ClinGen allele CA10003502.
Genomic context (GRCh38, chr21:32,646,501, plus strand): 5'-TGATGGGAAGGGAAGGTACAGGACCCTCTGATATTGTAGGTGACTGGCAGGGACTAGTTC[G>C]GGGTGAAGAGCTGGGGGAAGTACCAAGGCCGGAACTTGAAGATGGCTGGAGATGCTGAGG-3'
Protein context (NP_982271.3, residues 1037-1057): GLGTSPSSSP[Arg1047Gly]TSPCQSPTIS